The following is an entry in ClinVar:

ClinVar aggregate classification (germline): Uncertain significance. Review status: criteria provided, single submitter (1 of 4 stars). 2 submissions from 2 submitters: Uncertain significance (1). 1 of the submissions does not count toward it. Last evaluated 2026-02-12.

Conditions:
Alkaptonuria (AKU). Also called: Alcaptonuria; HOMOGENTISIC ACID OXIDASE DEFICIENCY; Homogentisic acidura; Alkaptonuric ochronosis. Identifiers: Orphanet 56, MedGen C0002066, MONDO:0008753, OMIM 203500.

Allele frequency attached by ClinVar (database versions not stated): gnomAD exomes below 0.00001.
gnomAD v4.1: 1 of 1,613,854 alleles (0.000062%); highest among the groups gnomAD compares: Non-Finnish European, 0.000085%; no homozygotes.

Submissions (2):

Myriad Genetics, Inc.
Classification: Uncertain significance for Alkaptonuria. Last evaluated: 2026-02-12. Review status: criteria provided, single submitter. Criteria: Myriad Autosomal Dominant, Autosomal Recessive and X-Linked Classification Criteria (2023). Collection method: clinical testing. Allele origin: unknown.
Comment: NM_000187.3(HGD):c.533A>G(E178G) is a missense variant classified as a variant of uncertain significance in the context of alkaptonuria. E178G has been observed in cases with relevant disease (PMID: 30737480). Relevant functional assessments of this variant are not available in the literature. E178G has not been observed in referenced population frequency databases. In summary, there is insufficient evidence to classify NM_000187.3(HGD):c.533A>G(E178G) as pathogenic or benign. Please note: this variant was assessed in the context of healthy population screening.

Department Of Human Genetics, Institute Of Clinical And Translational Research, Biomedical Research Center, Slovak Academy Of Sciences
Classification: Pathogenic for Alkaptonuria. Review status: no assertion criteria provided. Collection method: research. Allele origin: germline. Inheritance: Autosomal recessive inheritance. Affected: yes. Observed: 2 variant alleles. Not counted in ClinVar's aggregate classification.
Comment: The variant was originally described in AKU patient in PMID:23430897. It has been submitted to the HGD gene mutation database (DB-ID: AKU_00056).

Literature cited by the submitters: PubMed 30737480 (cited by Myriad Genetics, Inc.); PubMed 23430897 (cited by Department Of Human Genetics, Institute Of Clinical And Translational Research, Biomedical Research Center, Slovak Academy Of Sciences).

NM_000187.4(HGD):c.533A>G (p.Glu178Gly)

Gene: HGD (homogentisate 1,2-dioxygenase; minus strand). Cytogenetic location: 3q13.33.
Variant type: single nucleotide variant.
Coding change: c.533A>G on transcript NM_000187.4 (MANE Select); coding-DNA position 533, A replaced by G.
Protein change: p.Glu178Gly; replaces glutamic acid 178 with glycine.
Molecular consequence: missense variant.
Genome position (GRCh38, 1-based): chr3:120,646,989, T>C on the plus strand (A>G on the coding strand, the complement: HGD is on the minus strand). VCF-style: chr3-120646989-T-C. GRCh37 (hg19) VCF-style: chr3-120365836-T-C.
Other names: short protein forms E178G.
Identifiers: ClinVar variation 2627682 (VCV002627682.2), dbSNP rs2472701576, ClinGen allele CA354076947.
Genomic context (GRCh38, chr3:120,646,989, plus strand): 5'-CAAATTAGTGAGAGGCAGGGAAGAGAAGGGGACACATCACCAACCTGAATGACGCAGATC[T>C]CATTGGGCTGTACAAGCATCTTGCCAAACTCGGTGTAAATGAGAAGGTTCCCTTTCTGCG-3'
Protein context (NP_000178.2, residues 168-188): EFGKMLVQPN[Glu178Gly]ICVIQRGMRF